The following is an entry in ClinVar:

NM_004415.4(DSP):c.7157T>G (p.Leu2386Ter)

Gene: DSP (desmoplakin; plus strand). Cytogenetic location: 6p24.3.
Variant type: single nucleotide variant.
Coding change: c.7157T>G on transcript NM_004415.4 (MANE Select); coding-DNA position 7157, T replaced by G.
Protein change: p.Leu2386Ter; replaces leucine 2386 with a stop codon.
Molecular consequence: nonsense.
Genome position (GRCh38, 1-based): chr6:7,584,419, T>G. VCF-style: chr6-7584419-T-G. GRCh37 (hg19) VCF-style: chr6-7584652-T-G.
Other names: c.5360T>G, p.Leu1787Ter (NM_001008844.3); c.5828T>G, p.Leu1943Ter (NM_001319034.2); short protein forms L1787*, L1943*, L2386*.
Identifiers: ClinVar variation 3769897 (VCV003769897.2).

ClinVar aggregate classification (germline): Likely pathogenic (1 of 4 stars; one submission).

Submission:

GeneDx
Classification: Likely pathogenic. Last evaluated: 2025-03-24. Review status: criteria provided, single submitter. Criteria: GeneDx Variant Classification Process June 2021. Collection method: clinical testing. Allele origin: germline.
Comment: Nonsense variant predicted to result in protein truncation in a gene for which loss of function is a known mechanism of disease; Not observed at significant frequency in large population cohorts (gnomAD); Has not been previously published as pathogenic or benign to our knowledge